The following is an entry in ClinVar:

ClinVar aggregate classification (germline): Conflicting classifications of pathogenicity. Review status: criteria provided, conflicting classifications (1 of 4 stars). 11 submissions from 11 submitters: Uncertain significance (8); Likely benign (1). 2 of the submissions do not count toward it. Last evaluated 2025-03-25.

Conditions:
BRCA1-related cancer predisposition. Identifiers: MedGen CN377757, MONDO:0700268.
Hereditary cancer-predisposing syndrome. Also called: Tumor predisposition; Neoplastic Syndromes, Hereditary; Hereditary Cancer Syndrome; Hereditary neoplastic syndrome. Identifiers: Orphanet 140162, MedGen C0027672, MeSH D009386, MONDO:0015356.
Hereditary breast ovarian cancer syndrome. Also called: Hereditary breast and ovarian cancer syndrome (HBOC); Hereditary breast and ovarian cancer syndrome; Hereditary breast and ovarian cancer; Hereditary breast and/or ovarian cancer syndrome; Breast and ovarian cancer; BRCA1- and BRCA2-Associated Hereditary Breast and Ovarian Cancer. Identifiers: Orphanet 145, MedGen C0677776, MeSH D061325, MONDO:0003582. Disease mechanism: loss of function.
Breast-ovarian cancer, familial, susceptibility to, 1 (BROVCA1). Also called: OVARIAN CANCER, SUSCEPTIBILITY TO; BRCA1 Hereditary Breast and Ovarian Cancer. Identifiers: Orphanet 145, MedGen C2676676, MONDO:0011450, OMIM 604370. Disease mechanism: loss of function.

Allele frequency attached by ClinVar (database versions not stated): gnomAD exomes 0.00002; ExAC 0.00005.

Submissions (11):

Women's Health and Genetics/Laboratory Corporation of America, LabCorp
Classification: Uncertain significance. Last evaluated: 2025-03-25. Review status: criteria provided, single submitter. Criteria: LabCorp Variant Classification Summary - May 2015. Collection method: clinical testing. Allele origin: germline.
Comment: Variant summary: BRCA1 c.3041T>A (p.Met1014Lys) results in a non-conservative amino acid change in the encoded protein sequence. Three of five in-silico tools predict a benign effect of the variant on protein function. The variant allele was found at a frequency of 2.4e-05 in 251136 control chromosomes. The available data on variant occurrences in the general population are insufficient to allow any conclusion about variant significance. c.3041T>A has been reported in the literature in at least one individual undergoing genetic testing for a personal or family history of Hereditary Breast And Ovarian Cancer Syndrome (e.g. Hovland_2022). This report does not provide unequivocal conclusions about association of the variant with Hereditary Breast And Ovarian Cancer Syndrome. To our knowledge, no experimental evidence demonstrating an impact on protein function has been reported. The following publication has been ascertained in the context of this evaluation (PMID: 34981296). ClinVar contains an entry for this variant (Variation ID: 54761). Based on the evidence outlined above, the variant was classified as uncertain significance.

Ambry Genetics
Classification: Uncertain significance for Hereditary cancer-predisposing syndrome. Last evaluated: 2024-07-15. Review status: criteria provided, single submitter. Criteria: Ambry Variant Classification Scheme 2023. Collection method: clinical testing. Allele origin: germline.
Comment: The p.M1014K variant (also known as c.3041T>A), located in coding exon 9 of the BRCA1 gene, results from a T to A substitution at nucleotide position 3041. The methionine at codon 1014 is replaced by lysine, an amino acid with similar properties. This amino acid position is not well conserved in available vertebrate species. In addition, this alteration is predicted to be tolerated by in silico analysis. Based on the available evidence, the clinical significance of this variant remains unclear.

All of Us Research Program, National Institutes of Health
Classification: Uncertain significance for BRCA1-related cancer predisposition. Last evaluated: 2024-05-14. Review status: criteria provided, single submitter. Criteria: ACMG Guidelines, 2015. Collection method: clinical testing. Allele origin: germline. Inheritance: Autosomal dominant inheritance. Observed: 1 variant allele, 1 heterozygote.
Comment: This missense variant replaces methionine with lysine at codon 1014 of the BRCA1 protein. Computational prediction suggests that this variant may not impact protein structure and function. To our knowledge, functional studies have not been reported for this variant. This variant has been detected in a breast cancer case-control meta-analysis in 6/60466 cases and 0/53461 unaffected individuals (PMID: 33471991; Leiden Open Variation Database DB-ID BRCA1_006366). A multifactorial analysis has reported a likelihood ratio for pathogenicity based on segregation of 1.9234 (PMID: 31131967). While there is a suspicion that this variant may be disease-causing, a study has reported that disease-causing missense variant in this exon is unlikely (PMID: 31911673). This variant has been identified in 6/251136 chromosomes in the general population by the Genome Aggregation Database (gnomAD). The available evidence is insufficient to determine the role of this variant in disease conclusively. Therefore, this variant is classified as a Variant of Uncertain Significance.

This study involves interpretation of variants in research participants for the purpose of population health screening. Participant phenotype was not available at the time of variant classification. Additional details can be found in publication PMID: 35346344, PMCID: PMC8962531

Color Diagnostics, LLC DBA Color Health
Classification: Uncertain significance for Hereditary cancer-predisposing syndrome. Last evaluated: 2024-04-18. Review status: criteria provided, single submitter. Criteria: ACMG Guidelines, 2015. Collection method: clinical testing. Allele origin: germline.
Comment: This missense variant replaces methionine with lysine at codon 1014 of the BRCA1 protein. Computational prediction suggests that this variant may not impact protein structure and function. To our knowledge, functional studies have not been reported for this variant. This variant has been detected in a breast cancer case-control meta-analysis in 6/60466 cases and 0/53461 unaffected individuals (PMID: 33471991; Leiden Open Variation Database DB-ID BRCA1_006366). A multifactorial analysis has reported a likelihood ratio for pathogenicity based on segregation of 1.9234 (PMID: 31131967). While there is a suspicion that this variant may be disease-causing, a study has reported that disease-causing missense variant in this exon is unlikely (PMID: 31911673). This variant has been identified in 6/251136 chromosomes in the general population by the Genome Aggregation Database (gnomAD). The available evidence is insufficient to determine the role of this variant in disease conclusively. Therefore, this variant is classified as a Variant of Uncertain Significance.

Labcorp Genetics (formerly Invitae), Labcorp
Classification: Uncertain significance for Hereditary breast ovarian cancer syndrome. Last evaluated: 2023-07-06. Review status: criteria provided, single submitter. Criteria: Invitae Variant Classification Sherloc (09022015). Collection method: clinical testing. Allele origin: germline.
Comment: In summary, the available evidence is currently insufficient to determine the role of this variant in disease. Therefore, it has been classified as a Variant of Uncertain Significance. Advanced modeling of protein sequence and biophysical properties (such as structural, functional, and spatial information, amino acid conservation, physicochemical variation, residue mobility, and thermodynamic stability) performed at Invitae indicates that this missense variant is not expected to disrupt BRCA1 protein function. ClinVar contains an entry for this variant (Variation ID: 54761). This variant has not been reported in the literature in individuals affected with BRCA1-related conditions. This variant is present in population databases (rs80357020, gnomAD 0.005%). This sequence change replaces methionine, which is neutral and non-polar, with lysine, which is basic and polar, at codon 1014 of the BRCA1 protein (p.Met1014Lys).

University of Washington Department of Laboratory Medicine, University of Washington
Classification: Likely benign for Hereditary cancer-predisposing syndrome. Last evaluated: 2023-03-23. Review status: criteria provided, single submitter. Criteria: Dines et al. (Genet Med. 2020). Collection method: curation. Allele origin: germline.
Comment: Missense variant in a coldspot region where missense variants are very unlikely to be pathogenic (PMID:31911673).

BRCA1 coldspot (exon 11 using historical exon numbering). Reclassification based on statistical prior probability

Quest Diagnostics Nichols Institute San Juan Capistrano
Classification: Uncertain significance. Last evaluated: 2022-08-03. Review status: criteria provided, single submitter. Criteria: Quest Diagnostics criteria. Collection method: clinical testing. Allele origin: unknown.

Sema4
Classification: Uncertain significance for Hereditary cancer-predisposing syndrome. Last evaluated: 2021-09-23. Review status: criteria provided, single submitter. Criteria: Sema4 Curation Guidelines. Collection method: curation. Allele origin: germline.
Comment: The BRCA1 c.3041T>A (p.M1014K) variant has been reported in a breast cancer case-control study in 6/60466 cases and was not observed in 53461 controls (PMID: 33471991). It was observed in 6/113522 chromosomes of the Non-Finnish European subpopulation in the large and broad cohorts of the Genome Aggregation Database (PMID: 32461654). The variant has been reported in ClinVar (Variation ID 54761). Functional studies have not been performed, and in silico predictions of the variant's effect on protein function are inconclusive. The evidence is insufficient to meet ACMG/AMP criteria for classifying the variant as benign or pathogenic. Thus, the clinical significance of this variant is currently uncertain.

GeneDx
Classification: Uncertain significance. Last evaluated: 2019-09-03. Review status: criteria provided, single submitter. Criteria: GeneDx Variant Classification Process June 2021. Collection method: clinical testing. Allele origin: germline. Affected: yes.
Comment: Not observed at a significant frequency in large population cohorts (Lek 2016); In silico analysis, which includes protein predictors and evolutionary conservation, supports a deleterious effect; Has not been previously published as pathogenic or benign to our knowledge; Also known as BRCA1 3160T>A; This variant is associated with the following publications: (PMID: 15385441)

BRCAlab, Lund University
Classification: Uncertain significance for Breast-ovarian cancer, familial, susceptibility to, 1. Last evaluated: 2020-03-02. Review status: no assertion criteria provided. Collection method: clinical testing. Allele origin: germline. Affected: yes. Not counted in ClinVar's aggregate classification.

Breast Cancer Information Core (BIC) (BRCA1)
Classification: Uncertain significance for Breast-ovarian cancer, familial 1. Last evaluated: 2003-12-23. Review status: no assertion criteria provided. Collection method: clinical testing. Allele origin: germline. Affected: yes. Observed: 1 variant allele. Not counted in ClinVar's aggregate classification.

Literature cited by the submitters: PubMed 34981296 (cited by Women's Health and Genetics/Laboratory Corporation of America, LabCorp); PubMed 31131967 (cited by All of Us Research Program, National Institutes of Health and Color Diagnostics, LLC DBA Color Health); PubMed 31911673 (cited by All of Us Research Program, National Institutes of Health and Color Diagnostics, LLC DBA Color Health); PubMed 33471991 (cited by 3 submitters).

NM_007294.4(BRCA1):c.3041T>A (p.Met1014Lys)

Gene: BRCA1 (BRCA1 DNA repair associated; minus strand). Cytogenetic location: 17q21.31.
Variant type: single nucleotide variant.
Coding change: c.3041T>A on transcript NM_007294.4 (MANE Select); coding-DNA position 3041, T replaced by A.
Protein change: p.Met1014Lys; replaces methionine 1014 with lysine.
Molecular consequence: missense variant. On other transcripts: intron variant (137).
Genome position (GRCh38, 1-based): chr17:43,092,490, A>T on the plus strand (T>A on the coding strand, the complement: BRCA1 is on the minus strand). VCF-style: chr17-43092490-A-T. GRCh37 (hg19) VCF-style: chr17-41244507-A-T.
Other names: c.2828T>A, p.Met943Lys (NM_001407571.1, NM_001407853.1, NM_001407894.1 and 9 more transcripts); c.3041T>A, p.Met1014Lys (NM_001407581.1, NM_001407582.1, NM_001407583.1 and 30 more transcripts); c.3038T>A, p.Met1013Lys (NM_001407587.1, NM_001407590.1, NM_001407591.1 and 22 more transcripts); c.3032T>A, p.Met1011Lys (NM_001407646.1, NM_001407647.1); c.2918T>A, p.Met973Lys (NM_001407648.1, NM_001407664.1, NM_001407665.1 and 19 more transcripts); c.2915T>A, p.Met972Lys (NM_001407649.1, NM_001407670.1, NM_001407671.1 and 11 more transcripts); c.2963T>A, p.Met988Lys (NM_001407653.1, NM_001407654.1, NM_001407655.1 and 4 more transcripts); c.2960T>A, p.Met987Lys (NM_001407659.1, NM_001407660.1, NM_001407661.1 and 1 more transcripts); and 41 more; short protein forms M1014K, M967K, M846K, M903K, M925K, M944K, M946K, M966K.
Identifiers: ClinVar variation 54761 (VCV000054761.64), dbSNP rs80357020, ClinGen allele CA001999.